The following is an entry in ClinVar:

ClinVar aggregate classification (germline): Uncertain significance (1 of 4 stars; one submission).

Conditions:
Hereditary cancer-predisposing syndrome. Also called: Neoplastic Syndromes, Hereditary; Tumor predisposition; Hereditary Cancer Syndrome; Hereditary neoplastic syndrome. Identifiers: Orphanet 140162, MedGen C0027672, MeSH D009386, MONDO:0015356.

Submission:

Ambry Genetics
Classification: Uncertain significance for Hereditary cancer-predisposing syndrome. Last evaluated: 2021-03-08. Review status: criteria provided, single submitter. Criteria: Ambry Variant Classification Scheme 2023. Collection method: clinical testing. Allele origin: germline.
Comment: The p.H526Y variant (also known as c.1576C>T), located in coding exon 13 of the BAP1 gene, results from a C to T substitution at nucleotide position 1576. The histidine at codon 526 is replaced by tyrosine, an amino acid with similar properties. This amino acid position is highly conserved in available vertebrate species. In addition, the in silico prediction for this alteration is inconclusive. Since supporting evidence is limited at this time, the clinical significance of this alteration remains unclear.

NM_004656.4(BAP1):c.1576C>T (p.His526Tyr)

Gene: BAP1 (BRCA1 associated deubiquitinase 1; minus strand). Cytogenetic location: 3p21.1.
Variant type: single nucleotide variant.
Coding change: c.1576C>T on transcript NM_004656.4 (MANE Select); coding-DNA position 1576, C replaced by T.
Protein change: p.His526Tyr; replaces histidine 526 with tyrosine.
Molecular consequence: missense variant.
Genome position (GRCh38, 1-based): chr3:52,403,569, G>A on the plus strand (C>T on the coding strand, the complement: BAP1 is on the minus strand). VCF-style: chr3-52403569-G-A. GRCh37 (hg19) VCF-style: chr3-52437585-G-A.
Other names: c.1522C>T, p.His508Tyr (NM_001410772.1); short protein forms H508Y, H526Y.
Identifiers: ClinVar variation 1775596 (VCV001775596.2), dbSNP rs1553644875, ClinGen allele CA353100605.